The following is an entry in ClinVar:

ClinVar aggregate classification (germline): Uncertain significance (1 of 4 stars; one submission).

Conditions:
Cardiovascular phenotype. Identifiers: MedGen CN230736.

Submission:

Ambry Genetics
Classification: Uncertain significance for Cardiovascular phenotype. Last evaluated: 2024-02-26. Review status: criteria provided, single submitter. Criteria: Ambry Variant Classification Scheme 2023. Collection method: clinical testing. Allele origin: germline.
Comment: The p.Q779H variant (also known as c.2337G>C), located in coding exon 18 of the ABCC9 gene, results from a G to C substitution at nucleotide position 2337. The glutamine at codon 779 is replaced by histidine, an amino acid with highly similar properties. This amino acid position is highly conserved in available vertebrate species. In addition, the in silico prediction for this alteration is inconclusive. Based on the available evidence, the clinical significance of this alteration remains unclear.

NM_020297.4(ABCC9):c.2337G>C (p.Gln779His)

Gene: ABCC9 (ATP binding cassette subfamily C member 9; minus strand). Cytogenetic location: 12p12.1.
Variant type: single nucleotide variant.
Coding change: c.2337G>C on transcript NM_020297.4 (MANE Select); coding-DNA position 2337, G replaced by C.
Protein change: p.Gln779His; replaces glutamine 779 with histidine.
Molecular consequence: missense variant.
Genome position (GRCh38, 1-based): chr12:21,862,955, C>G on the plus strand (G>C on the coding strand, the complement: ABCC9 is on the minus strand). VCF-style: chr12-21862955-C-G. GRCh37 (hg19) VCF-style: chr12-22015889-C-G.
Other names: c.2337G>C, p.Gln779His (NM_001377273.1, NM_005691.4); c.1470G>C, p.Gln490His (NM_001377274.1); short protein forms Q490H, Q779H.
Identifiers: ClinVar variation 3224917 (VCV003224917.1), dbSNP rs2541232426, ClinGen allele CA384129575.
Genomic context (GRCh38, chr12:21,862,955, plus strand): 5'-ACACACGAGTCAGAAAGAGTTGCCATTTTGGTTCTAAATTTTATATGCTCAAAATTACCT[C>G]TGTTTGTTAAAAGGACTTCCAAAAGTAATATTTTCTTCTACTGTAGCATTTAATAGCCAA-3'
Protein context (NP_064693.2, residues 769-789): NITFGSPFNK[Gln779His]RYKAVTDACS